The following is an entry in ClinVar:

NM_004369.4(COL6A3):c.5650A>G (p.Thr1884Ala)

Gene: COL6A3 (collagen type VI alpha 3 chain; minus strand). Cytogenetic location: 2q37.3.
Variant type: single nucleotide variant.
Coding change: c.5650A>G on transcript NM_004369.4 (MANE Select); coding-DNA position 5650, A replaced by G.
Protein change: p.Thr1884Ala; replaces threonine 1884 with alanine.
Molecular consequence: missense variant.
Genome position (GRCh38, 1-based): chr2:237,365,886, T>C on the plus strand (A>G on the coding strand, the complement: COL6A3 is on the minus strand). VCF-style: chr2-237365886-T-C. GRCh37 (hg19) VCF-style: chr2-238274529-T-C.
Other names: c.3829A>G, p.Thr1277Ala (NM_057166.5); c.5032A>G, p.Thr1678Ala (NM_057167.4); short protein forms T1884A, T1277A, T1678A.
Identifiers: ClinVar variation 2224099 (VCV002224099.5), dbSNP rs1352843236, ClinGen allele CA351186017.
Genomic context (GRCh38, chr2:237,365,886, plus strand): 5'-CAAAGTCAAAGGCCTCCACCGGGCCCGAGGGCGTGTTGGCCACCACTGACACACGCACGG[T>C]GGGCGAGCGGCCACCGCTGCAGCTGACCCTGTGCATCTGGCTGATTCTGTTCAAGATGGC-3'
Protein context (NP_004360.2, residues 1874-1894): RVSCSGGRSP[Thr1884Ala]VRVSVVANTP

ClinVar aggregate classification (germline): Uncertain significance. Review status: criteria provided, multiple submitters, no conflicts (2 of 4 stars). 2 submissions from 2 submitters: Uncertain significance (2). Last evaluated 2023-07-28.

Conditions:
Inborn genetic diseases. Identifiers: MedGen C0950123, MeSH D030342.
Bethlem myopathy 1A. Also called: Bethlem Muscular Dystrophy; MYOPATHY, BENIGN CONGENITAL, WITH CONTRACTURES; Bethlem myopathy 1. Identifiers: Orphanet 610, MedGen CN029274, MONDO:0024530, OMIM 158810.

Allele frequency attached by ClinVar (database versions not stated): gnomAD 0.00001; gnomAD exomes 0.00001; TOPMed 0.00001.
gnomAD v4.1: 8 of 1,614,006 alleles (0.0005%); highest among the groups gnomAD compares: Non-Finnish European, 0.00068%; no homozygotes.

Submissions (2):

Labcorp Genetics (formerly Invitae), Labcorp
Classification: Uncertain significance for Bethlem myopathy 1A. Last evaluated: 2023-07-28. Review status: criteria provided, single submitter. Criteria: Invitae Variant Classification Sherloc (09022015). Collection method: clinical testing. Allele origin: germline.
Comment: In summary, the available evidence is currently insufficient to determine the role of this variant in disease. Therefore, it has been classified as a Variant of Uncertain Significance. Advanced modeling of protein sequence and biophysical properties (such as structural, functional, and spatial information, amino acid conservation, physicochemical variation, residue mobility, and thermodynamic stability) performed at Invitae indicates that this missense variant is not expected to disrupt COL6A3 protein function. ClinVar contains an entry for this variant (Variation ID: 2224099). This variant has not been reported in the literature in individuals affected with COL6A3-related conditions. This variant is present in population databases (no rsID available, gnomAD 0.0009%). This sequence change replaces threonine, which is neutral and polar, with alanine, which is neutral and non-polar, at codon 1884 of the COL6A3 protein (p.Thr1884Ala).

Ambry Genetics
Classification: Uncertain significance for Inborn genetic diseases. Last evaluated: 2022-04-27. Review status: criteria provided, single submitter. Criteria: Ambry Variant Classification Scheme 2023. Collection method: clinical testing. Allele origin: germline.